The following is an entry in ClinVar:

ClinVar aggregate classification (germline): Benign (1 of 4 stars; one submission).

Conditions:
Familial cancer of breast. Also called: hereditary breast carcinoma; Hereditary breast cancer; BREAST CANCER, FAMILIAL. Identifiers: Orphanet 227535, MedGen C0346153, MONDO:0016419, OMIM 114480. Disease mechanism: loss of function.

Submission:

Myriad Genetics, Inc.
Classification: Benign for Familial cancer of breast. Last evaluated: 2024-09-10. Review status: criteria provided, single submitter. Criteria: Myriad Autosomal Dominant, Autosomal Recessive and X-Linked Classification Criteria (2023). Collection method: clinical testing. Allele origin: unknown.
Comment: This variant is considered benign. This variant is a silent/synonymous amino acid change and it is not expected to impact splicing.

NM_032043.3(BRIP1):c.3318T>G (p.Ser1106=)

Gene: BRIP1 (BRCA1 interacting DNA helicase 1; minus strand). Cytogenetic location: 17q23.2.
Variant type: single nucleotide variant.
Coding change: c.3318T>G on transcript NM_032043.3 (MANE Select); coding-DNA position 3318, T replaced by G.
Protein change: p.Ser1106=; no amino-acid change (serine 1106 retained).
Molecular consequence: synonymous variant.
Genome position (GRCh38, 1-based): chr17:61,683,728, A>C on the plus strand (T>G on the coding strand, the complement: BRIP1 is on the minus strand). VCF-style: chr17-61683728-A-C. GRCh37 (hg19) VCF-style: chr17-59761089-A-C.
Identifiers: ClinVar variation 3378525 (VCV003378525.1).